The following is an entry in ClinVar:

ClinVar aggregate classification (germline): Conflicting classifications of pathogenicity. Review status: criteria provided, conflicting classifications (1 of 4 stars). 5 submissions from 5 submitters: Uncertain significance (3); Likely benign (1). 1 of the submissions does not count toward it. Last evaluated 2025-04-22.

Conditions:
Hereditary cancer-predisposing syndrome. Also called: Hereditary neoplastic syndrome; Neoplastic Syndromes, Hereditary; Tumor predisposition; Hereditary Cancer Syndrome. Identifiers: Orphanet 140162, MedGen C0027672, MeSH D009386, MONDO:0015356.
Colorectal cancer, susceptibility to, 12 (CRCS12). Also called: COLORECTAL CANCER, SUSCEPTIBILITY TO, ON CHROMOSOME 12q24. Identifiers: Orphanet 220460, MedGen C3554460, MONDO:0014038, OMIM 615083.

Submissions (5):

Ambry Genetics
Classification: Uncertain significance for Hereditary cancer-predisposing syndrome. Last evaluated: 2025-04-22. Review status: criteria provided, single submitter. Criteria: Ambry Variant Classification Scheme 2023. Collection method: clinical testing. Allele origin: germline.
Comment: The c.1924-23_1927del27 variant results from a deletion of 27 nucleotides between positions 1924-23 and 1927 and involves the canonical splice acceptor site before coding exon 18 of the POLE gene. The canonical splice acceptor site is highly conserved in available vertebrate species. This variant is considered to be rare based on population cohorts in the Genome Aggregation Database (gnomAD). Alterations that disrupt the canonical splice site are expected to cause aberrant splicing, resulting in an abnormal protein or a transcript that is subject to nonsense-mediated mRNA decay. Although biallelic loss of function of POLE has been associated with autosomal recessive POLE deficiency, haploinsufficiency of POLE has not been established as a mechanism of disease for POLE-related polymerase proofreading-associated polyposis (PPAP) and POLE-related CMMRD-like syndrome. Based on the supporting evidence, this variant is expected to be causative of POLE deficiency when present along with a second pathogenic variant on the other allele; however, its clinical significance for PPAP and POLE-related CMMRD-like syndrome is unclear.

Labcorp Genetics (formerly Invitae), Labcorp
Classification: Uncertain significance. Last evaluated: 2021-10-08. Review status: criteria provided, single submitter. Criteria: Invitae Variant Classification Sherloc (09022015). Collection method: clinical testing. Allele origin: germline.
Comment: This variant is also known as c.1924-27_1924-1del. This variant has not been reported in the literature in individuals affected with POLE-related conditions. This variant is not present in population databases (ExAC no frequency). This sequence change falls in intron 17 of the POLE gene. It does not directly change the encoded amino acid sequence of the POLE protein. In summary, the available evidence is currently insufficient to determine the role of this variant in disease. Therefore, it has been classified as a Variant of Uncertain Significance. Algorithms developed to predict the effect of sequence changes on RNA splicing suggest that this variant may disrupt the consensus splice site. ClinVar contains an entry for this variant (Variation ID: 422279).

Women's Health and Genetics/Laboratory Corporation of America, LabCorp
Classification: Uncertain significance. Last evaluated: 2021-06-14. Review status: criteria provided, single submitter. Criteria: LabCorp Variant Classification Summary - May 2015. Collection method: clinical testing. Allele origin: germline.
Comment: Variant summary: POLE c.1924-23_1927del27 involves the deletion of a number of nucleotides spanning part of intron 17 (including a splice-region) and extending into part of exon 18. Several computational tools predict a significant impact on normal splicing: Four predict the variant abolishes a 3 acceptor site. However, these predictions have yet to be confirmed by functional studies. The variant was absent in 251280 control chromosomes (gnomAD). The available data on variant occurrences in the general population are insufficient to allow any conclusion about variant significance. To our knowledge, no occurrence of c.1924-23_1927del27 in individuals affected with Colorectal Cancer and no experimental evidence demonstrating its impact on protein function have been reported. Two clinical diagnostic laboratories have submitted clinical-significance assessments for this variant to ClinVar after 2014 without evidence for independent evaluation. One laboratory classified the variant as likely benign and one laboratory classified the variant as uncertain significance. Missense variants in the POLE gene, particularly located within the proof-reading (exonuclease) domain, have been associated with an increased risk for colorectal cancer (PMID 23263490, 23447401). Currently available evidence does not support loss-of-function variants to confer the same cancer risks. Based on the evidence outlined above, the variant was classified as uncertain significance.

GeneDx
Classification: Likely benign. Last evaluated: 2016-09-23. Review status: criteria provided, single submitter. Criteria: GeneDx Variant Classification (06012015). Collection method: clinical testing. Allele origin: germline. Affected: yes.
Comment: This variant is considered likely benign or benign based on one or more of the following criteria: it is a conservative change, it occurs at a poorly conserved position in the protein, it is predicted to be benign by multiple in silico algorithms, and/or has population frequency not consistent with disease.

Counsyl
Classification: Uncertain significance for Colorectal cancer, susceptibility to, 12. Last evaluated: 2017-08-03. Review status: no assertion criteria provided. Collection method: clinical testing. Allele origin: unknown. Not counted in ClinVar's aggregate classification.

NM_006231.4(POLE):c.1924-23_1927del

Gene: POLE (DNA polymerase epsilon, catalytic subunit; minus strand). Cytogenetic location: 12q24.33.
Variant type: Deletion.
Coding change: c.1924-23_1927del on transcript NM_006231.4 (MANE Select); 23 bases into the intron before coding-DNA position 1924 through coding-DNA position 1927, 27 bases deleted (AAGTGCTTTCTCACCCCTCCCAGCCCT).
Molecular consequence: splice acceptor variant.
Genome position (GRCh38, 1-based): chr12:132,668,734-132,668,760, AGGGCTGGGAGGGGTGAGAAAGCACTT deleted on the plus strand (AAGTGCTTTCTCACCCCTCCCAGCCCT on the coding strand, the reverse complement: POLE is on the minus strand); deleting any 27 consecutive bases within chr12:132,668,734-132,668,769 gives the same sequence; the c. name uses the placement nearest the transcript's 3' end. VCF-style (leftmost placement, unchanged base first): chr12-132668733-GAGGGCTGGGAGGGGTGAGAAAGCACTT-G. GRCh37 (hg19) VCF-style: chr12-133245319-GAGGGCTGGGAGGGGTGAGAAAGCACTT-G.
Other names: c.1924-23_1927del27 (NM_006231.3).
Identifiers: ClinVar variation 422279 (VCV000422279.11), dbSNP rs1064795679, ClinGen allele CA16619473.